The following is an entry in ClinVar:

ClinVar aggregate classification (germline): Likely benign (1 of 4 stars; one submission).

gnomAD v4.1: 6 of 1,613,984 alleles (0.00037%); highest among the groups gnomAD compares: Non-Finnish European, 0.00034%; no homozygotes.

Submission:

CeGaT Center for Human Genetics Tuebingen
Classification: Likely benign. Last evaluated: 2025-08-01. Review status: criteria provided, single submitter. Criteria: CeGaT Center For Human Genetics Tuebingen Variant Classification Criteria Version 2. Collection method: clinical testing. Allele origin: germline. Affected: yes. Observed: 1 variant allele.
Comment: WDFY3: BP4, BP7

NM_014991.6(WDFY3):c.7029G>A (p.Glu2343=)

Gene: WDFY3 (WD repeat and FYVE domain containing 3; minus strand). Cytogenetic location: 4q21.23.
Variant type: single nucleotide variant.
Coding change: c.7029G>A on transcript NM_014991.6 (MANE Select); coding-DNA position 7029, G replaced by A.
Protein change: p.Glu2343=; no amino-acid change (glutamic acid 2343 retained).
Molecular consequence: synonymous variant.
Genome position (GRCh38, 1-based): chr4:84,733,574, C>T on the plus strand (G>A on the coding strand, the complement: WDFY3 is on the minus strand). VCF-style: chr4-84733574-C-T. GRCh37 (hg19) VCF-style: chr4-85654727-C-T.
Identifiers: ClinVar variation 4084939 (VCV004084939.8).
Genomic context (GRCh38, chr4:84,733,574, plus strand): 5'-GCCGATGGGAGGGCCCCACAGCCCCCGCTCCCTCAACAGCTCGCACTCGATCTGACACCA[C>T]TCTTCTGTCACGTACTTCAGGGCATTCTGCTGACGCTGACAGGAAAGAGTCCAGGTCGGT-3'
Protein context (NP_055806.2, residues 2333-2353): QQNALKYVTE[Glu2343=]WCQIECELLR